The following is an entry in ClinVar:

NM_001105206.3(LAMA4):c.4984G>C (p.Glu1662Gln)

Gene: LAMA4 (laminin subunit alpha 4; minus strand). Cytogenetic location: 6q21.
Variant type: single nucleotide variant.
Coding change: c.4984G>C on transcript NM_001105206.3 (MANE Select); coding-DNA position 4984, G replaced by C.
Protein change: p.Glu1662Gln; replaces glutamic acid 1662 with glutamine.
Molecular consequence: missense variant.
Genome position (GRCh38, 1-based): chr6:112,115,991, C>G on the plus strand (G>C on the coding strand, the complement: LAMA4 is on the minus strand). VCF-style: chr6-112115991-C-G. GRCh37 (hg19) VCF-style: chr6-112437194-C-G.
Other names: c.4963G>C, p.Glu1655Gln (NM_001105207.3, NM_002290.5); short protein forms E1655Q, E1662Q.
Identifiers: ClinVar variation 1744429 (VCV001744429.2), dbSNP rs782452634, ClinGen allele CA3964841.

ClinVar aggregate classification (germline): Uncertain significance (1 of 4 stars; one submission).

Conditions:
Cardiovascular phenotype. Identifiers: MedGen CN230736.

Allele frequency attached by ClinVar (database versions not stated): gnomAD exomes below 0.00001; ExAC 0.00001.
gnomAD v4.1: 3 of 1,612,436 alleles (0.00019%); highest among the groups gnomAD compares: African/African-American, 0.0013%; no homozygotes.

Submission:

Ambry Genetics
Classification: Uncertain significance for Cardiovascular phenotype. Last evaluated: 2018-05-07. Review status: criteria provided, single submitter. Criteria: Ambry Variant Classification Scheme 2023. Collection method: clinical testing. Allele origin: germline.
Comment: The p.E1655Q variant (also known as c.4963G>C), located in coding exon 35 of the LAMA4 gene, results from a G to C substitution at nucleotide position 4963. The glutamic acid at codon 1655 is replaced by glutamine, an amino acid with highly similar properties. This amino acid position is well conserved in available vertebrate species. In addition, the in silico prediction for this alteration is inconclusive. Since supporting evidence is limited at this time, the clinical significance of this alteration remains unclear.